The following is an entry in ClinVar:

NM_052867.4(NALCN):c.2024G>A (p.Cys675Tyr)

Gene: NALCN (sodium leak channel, non-selective; minus strand). Cytogenetic location: 13q33.1.
Variant type: single nucleotide variant.
Coding change: c.2024G>A on transcript NM_052867.4 (MANE Select); coding-DNA position 2024, G replaced by A.
Protein change: p.Cys675Tyr; replaces cysteine 675 with tyrosine.
Molecular consequence: missense variant.
Genome position (GRCh38, 1-based): chr13:101,143,174, C>T on the plus strand (G>A on the coding strand, the complement: NALCN is on the minus strand). VCF-style: chr13-101143174-C-T. GRCh37 (hg19) VCF-style: chr13-101795525-C-T.
Other names: c.2024G>A, p.Cys675Tyr (NM_001350748.2, NM_001350749.2); c.1937G>A, p.Cys646Tyr (NM_001350750.2, NM_001350751.2); short protein forms C646Y, C675Y.
Identifiers: ClinVar variation 2273331 (VCV002273331.5), dbSNP rs753918617, ClinGen allele CA255417909.

ClinVar aggregate classification (germline): Uncertain significance. Review status: criteria provided, multiple submitters, no conflicts (2 of 4 stars). 3 submissions from 3 submitters: Uncertain significance (3). Last evaluated 2026-09-01.

Conditions:
Inborn genetic diseases. Identifiers: MedGen C0950123, MeSH D030342.

Allele frequency attached by ClinVar (database versions not stated): TOPMed 0.00001.
gnomAD v4.1: 3 of 1,613,870 alleles (0.00019%); highest among the groups gnomAD compares: Admixed American, 0.0017%; no homozygotes.

Submissions (3):

CeGaT Center for Human Genetics Tuebingen
Classification: Uncertain significance. Last evaluated: 2026-09-01. Review status: criteria provided, single submitter. Criteria: CeGaT Center For Human Genetics Tuebingen Variant Classification Criteria Version 2. Collection method: clinical testing. Allele origin: germline. Affected: yes. Observed: 1 variant allele.

Ambry Genetics
Classification: Uncertain significance for Inborn genetic diseases. Last evaluated: 2025-05-21. Review status: criteria provided, single submitter. Criteria: Ambry Variant Classification Scheme 2023. Collection method: clinical testing. Allele origin: germline.

Labcorp Genetics (formerly Invitae), Labcorp
Classification: Uncertain significance. Last evaluated: 2025-04-17. Review status: criteria provided, single submitter. Criteria: Invitae Variant Classification Sherloc (09022015). Collection method: clinical testing. Allele origin: germline.
Comment: This sequence change replaces cysteine, which is neutral and slightly polar, with tyrosine, which is neutral and polar, at codon 675 of the NALCN protein (p.Cys675Tyr). This variant is present in population databases (no rsID available, gnomAD 0.006%). This variant has not been reported in the literature in individuals affected with NALCN-related conditions. ClinVar contains an entry for this variant (Variation ID: 2273331). Invitae Evidence Modeling of protein sequence and biophysical properties (such as structural, functional, and spatial information, amino acid conservation, physicochemical variation, residue mobility, and thermodynamic stability) indicates that this missense variant is not expected to disrupt NALCN protein function with a negative predictive value of 80%. In summary, the available evidence is currently insufficient to determine the role of this variant in disease. Therefore, it has been classified as a Variant of Uncertain Significance.